The following is an entry in ClinVar:

ClinVar aggregate classification (germline): Likely benign. Review status: criteria provided, single submitter (1 of 4 stars). 2 submissions from 2 submitters: Likely benign (1). 1 of the submissions does not count toward it. Last evaluated 2022-07-08.

Conditions:
WDR35-related disorder. Also called: WDR35-related condition; WDR35-related disorders. Identifiers: MedGen CN239419.
Short-rib thoracic dysplasia 7 with or without polydactyly (SRTD7). Also called: Short rib polydactyly syndrome 5; SHORT-RIB THORACIC DYSPLASIA 7 WITH POLYDACTYLY. Identifiers: Orphanet 498497, Orphanet 93271, MedGen C3279792, MONDO:0013569, OMIM 614091.
Cranioectodermal dysplasia 2 (CED2). Identifiers: Orphanet 1515, MedGen C3150874, MONDO:0013323, OMIM 613610.

Allele frequency attached by ClinVar (database versions not stated): gnomAD exomes 0.00001; TOPMed 0.00001.
gnomAD v4.1: 5 of 1,613,314 alleles (0.00031%); highest among the groups gnomAD compares: Admixed American, 0.005%; no homozygotes.

Submissions (2):

Labcorp Genetics (formerly Invitae), Labcorp
Classification: Likely benign for Cranioectodermal dysplasia 2; Short-rib thoracic dysplasia 7 with or without polydactyly. Last evaluated: 2022-07-08. Review status: criteria provided, single submitter. Criteria: Invitae Variant Classification Sherloc (09022015). Collection method: clinical testing. Allele origin: germline.

PreventionGenetics, part of Exact Sciences
Classification: Likely benign for WDR35-related condition. Last evaluated: 2019-02-28. Review status: no assertion criteria provided. Collection method: clinical testing. Allele origin: germline. Not counted in ClinVar's aggregate classification.
Comment: This variant is classified as likely benign based on ACMG/AMP sequence variant interpretation guidelines (Richards et al. 2015 PMID: 25741868, with internal and published modifications).

NM_020779.4(WDR35):c.2691T>C (p.His897=)

Gene: WDR35 (WD repeat domain 35; minus strand). Cytogenetic location: 2p24.1.
Variant type: single nucleotide variant.
Coding change: c.2691T>C on transcript NM_020779.4 (MANE Select); coding-DNA position 2691, T replaced by C.
Protein change: p.His897=; no amino-acid change (histidine 897 retained).
Molecular consequence: synonymous variant.
Genome position (GRCh38, 1-based): chr2:19,932,415, A>G on the plus strand (T>C on the coding strand, the complement: WDR35 is on the minus strand). VCF-style: chr2-19932415-A-G. GRCh37 (hg19) VCF-style: chr2-20132176-A-G.
Other names: c.2724T>C, p.His908= (NM_001006657.2); c.2724T>C (NM_001006657.1).
Identifiers: ClinVar variation 1591090 (VCV001591090.10), dbSNP rs1192258496, ClinGen allele CA425113975.